The following is an entry in ClinVar:

ClinVar aggregate classification (germline): Uncertain significance (1 of 4 stars; one submission).

gnomAD v4.1: 41 of 1,606,432 alleles (0.0026%); highest among the groups gnomAD compares: Admixed American, 0.022%; no homozygotes.

Submission:

Labcorp Genetics (formerly Invitae), Labcorp
Classification: Uncertain significance. Last evaluated: 2025-10-11. Review status: criteria provided, single submitter. Criteria: Invitae Variant Classification Sherloc (09022015). Collection method: clinical testing. Allele origin: germline.
Comment: This sequence change replaces alanine, which is neutral and non-polar, with valine, which is neutral and non-polar, at codon 1114 of the KIAA0556 protein (p.Ala1114Val). This variant is present in population databases (rs748340428, gnomAD 0.02%). This variant has not been reported in the literature in individuals affected with KIAA0556-related conditions. An algorithm developed to predict the effect of missense changes on protein structure and function (PolyPhen-2) suggests that this variant is likely to be tolerated. In summary, the available evidence is currently insufficient to determine the role of this variant in disease. Therefore, it has been classified as a Variant of Uncertain Significance.

NM_015202.5(KATNIP):c.3341C>T (p.Ala1114Val)

Gene: KATNIP (katanin interacting protein; plus strand). Cytogenetic location: 16p12.1.
Variant type: single nucleotide variant.
Coding change: c.3341C>T on transcript NM_015202.5 (MANE Select); coding-DNA position 3341, C replaced by T.
Protein change: p.Ala1114Val; replaces alanine 1114 with valine.
Molecular consequence: missense variant.
Genome position (GRCh38, 1-based): chr16:27,750,301, C>T. VCF-style: chr16-27750301-C-T. GRCh37 (hg19) VCF-style: chr16-27761622-C-T.
Other names: short protein forms A1114V.
Identifiers: ClinVar variation 4695098 (VCV004695098.1).